The following is an entry in ClinVar:

ClinVar aggregate classification (germline): Uncertain significance (1 of 4 stars; one submission).

Conditions:
Chédiak-Higashi syndrome (CHS). Also called: Chediak-Higashi Syndrome. Identifiers: Orphanet 167, MedGen C0007965, MONDO:0008963, OMIM 214500.

Submission:

Labcorp Genetics (formerly Invitae), Labcorp
Classification: Uncertain significance for Chédiak-Higashi syndrome. Last evaluated: 2022-05-09. Review status: criteria provided, single submitter. Criteria: Invitae Variant Classification Sherloc (09022015). Collection method: clinical testing. Allele origin: germline.
Comment: In summary, the available evidence is currently insufficient to determine the role of this variant in disease. Therefore, it has been classified as a Variant of Uncertain Significance. Algorithms developed to predict the effect of missense changes on protein structure and function output the following: SIFT: "Tolerated"; PolyPhen-2: "Benign"; Align-GVGD: "Class C0". The serine amino acid residue is found in multiple mammalian species, which suggests that this missense change does not adversely affect protein function. This variant has not been reported in the literature in individuals affected with LYST-related conditions. This variant is not present in population databases (gnomAD no frequency). This sequence change replaces asparagine, which is neutral and polar, with serine, which is neutral and polar, at codon 1526 of the LYST protein (p.Asn1526Ser).

NM_000081.4(LYST):c.4577A>G (p.Asn1526Ser)

Gene: LYST (lysosomal trafficking regulator; minus strand). Cytogenetic location: 1q42.3.
Variant type: single nucleotide variant.
Coding change: c.4577A>G on transcript NM_000081.4 (MANE Select); coding-DNA position 4577, A replaced by G.
Protein change: p.Asn1526Ser; replaces asparagine 1526 with serine.
Molecular consequence: missense variant.
Genome position (GRCh38, 1-based): chr1:235,788,812, T>C on the plus strand (A>G on the coding strand, the complement: LYST is on the minus strand). VCF-style: chr1-235788812-T-C. GRCh37 (hg19) VCF-style: chr1-235952112-T-C.
Other names: c.4577A>G, p.Asn1526Ser (NM_001301365.1); short protein forms N1526S.
Identifiers: ClinVar variation 2134468 (VCV002134468.4), dbSNP rs2526870699, ClinGen allele CA344958387.